The following is an entry in ClinVar:

ClinVar aggregate classification (germline): Uncertain significance (1 of 4 stars; one submission).

Submission:

Labcorp Genetics (formerly Invitae), Labcorp
Classification: Uncertain significance. Last evaluated: 2025-12-15. Review status: criteria provided, single submitter. Criteria: Invitae Variant Classification Sherloc (09022015). Collection method: clinical testing. Allele origin: germline.
Comment: This variant, c.387_401dup, results in the insertion of 5 amino acid(s) of the MNX1 protein (p.Ala130_Ala134dup), but otherwise preserves the integrity of the reading frame. The frequency data for this variant in the population databases is considered unreliable, as metrics indicate insufficient coverage at this position in the gnomAD database. This variant has not been reported in the literature in individuals affected with MNX1-related conditions. Experimental studies and prediction algorithms are not available or were not evaluated, and the functional significance of this variant is currently unknown. In summary, the available evidence is currently insufficient to determine the role of this variant in disease. Therefore, it has been classified as a Variant of Uncertain Significance.

NM_005515.4(MNX1):c.375CGC[14] (p.Ala130_Ala134dup)

Genes: MNX1 (motor neuron and pancreas homeobox 1; minus strand), LOC129999736 (ATAC-STARR-seq lymphoblastoid silent region 18858; plus strand). Cytogenetic location: 7q36.3.
Variant type: Microsatellite.
Coding change: c.375CGC[14] on transcript NM_005515.4 (MANE Select); 14 copies in a row of the 3-base unit CGC starting at c.375; the reference has nine copies in a row; five copies, 15 bases duplicated.
Protein change: p.Ala130_Ala134dup.
Molecular consequence: inframe insertion.
Genome position (GRCh38, 1-based): chr7:157,009,950-157,009,964, GCGGCGGCGGCGGCG duplicated on the plus strand (CGCCGCCGCCGCCGC on the coding strand, the reverse complement: MNX1 is on the minus strand); duplicating any 15 consecutive bases within chr7:157,009,950-157,009,978 gives the same sequence; the position shown is the placement nearest the transcript's 3' end. VCF-style (leftmost placement, unchanged base first): chr7-157009949-A-AGCGGCGGCGGCGGCG. GRCh37 (hg19) VCF-style: chr7-156802643-A-AGCGGCGGCGGCGGCG.
Identifiers: ClinVar variation 1449845 (VCV001449845.6), dbSNP rs548755417, ClinGen allele CA835795829.